The following is an entry in ClinVar:

ClinVar aggregate classification (germline): Pathogenic. Review status: criteria provided, multiple submitters, no conflicts (2 of 4 stars). 6 submissions from 6 submitters: Pathogenic (5). 1 of the submissions does not count toward it. Last evaluated 2024-09-21.

Conditions:
Microcephaly 5, primary, autosomal recessive (MCPH5). Also called: ASPM Primary Microcephaly. Identifiers: Orphanet 2512, MedGen C1837501, MONDO:0012106, OMIM 608716.

Submissions (6):

Labcorp Genetics (formerly Invitae), Labcorp
Classification: Pathogenic. Last evaluated: 2024-09-21. Review status: criteria provided, single submitter. Criteria: Invitae Variant Classification Sherloc (09022015). Collection method: clinical testing. Allele origin: germline.
Comment: This sequence change creates a premature translational stop signal (p.Ile2113Serfs*11) in the ASPM gene. It is expected to result in an absent or disrupted protein product. Loss-of-function variants in ASPM are known to be pathogenic (PMID: 19028728, 23611254). This variant is present in population databases (rs199422169, gnomAD 0.003%). This premature translational stop signal has been observed in individual(s) with primary microcephaly (PMID: 19028728). This variant is also known as c.6335_6336delAT, p.His2112fs. ClinVar contains an entry for this variant (Variation ID: 265381). For these reasons, this variant has been classified as Pathogenic.

Genome-Nilou Lab
Classification: Pathogenic for Microcephaly 5, primary, autosomal recessive. Last evaluated: 2023-04-11. Review status: criteria provided, single submitter. Criteria: ACMG Guidelines, 2015. Collection method: clinical testing. Allele origin: germline. Affected: no.

Institute of Medical Genetics and Applied Genomics, University Hospital Tübingen
Classification: Pathogenic. Last evaluated: 2020-10-23. Review status: criteria provided, single submitter. Criteria: ACMG Guidelines, 2015. Collection method: clinical testing. Allele origin: germline. Inheritance: Unknown mechanism. Affected: yes.

CeGaT Center for Human Genetics Tuebingen
Classification: Pathogenic. Last evaluated: 2018-03-01. Review status: criteria provided, single submitter. Criteria: CeGaT Center For Human Genetics Tuebingen Variant Classification Criteria Version 2. Collection method: clinical testing. Allele origin: germline. Affected: yes. Observed: 1 variant allele.

GeneDx
Classification: Pathogenic. Last evaluated: 2016-04-21. Review status: criteria provided, single submitter. Criteria: GeneDx Variant Classification (06012015). Collection method: clinical testing. Allele origin: germline. Affected: yes.
Comment: The c.6337_6338delAT pathogenic variant in the ASPM gene has been reported previously in association withautosomal recessive primary microcephaly in a family of Pakistani ethnicity (Nicholas et al., 2009). In this study,c.6337_6338delAT was reported as c.6335_6336delAT due to the use of alternate nomenclature. This variant causes aframeshift starting with codon Isoleucine 2113, changes this amino acid to a Serine residue and creates a prematureStop codon at position 11 of the new reading frame, denoted p.Ile2113SerfsX11. It is predicted to cause loss of normalprotein function either through protein truncation or nonsense-mediated mRNA decay.

GeneReviews
No classification provided. Condition: Microcephaly 5, primary, autosomal recessive. Review status: no classification provided. Collection method: literature only. Allele origin: unknown. Not counted in ClinVar's aggregate classification.

Literature cited by the submitters: PubMed 19028728 (cited by Labcorp Genetics (formerly Invitae), Labcorp); PubMed 23611254 (cited by Labcorp Genetics (formerly Invitae), Labcorp); PubMed 20301772 (cited by GeneReviews); NCBI Bookshelf NBK9587 (cited by GeneReviews).

NM_018136.5(ASPM):c.6337_6338del (p.Ile2113fs)

Gene: ASPM (assembly factor for spindle microtubules; minus strand). Cytogenetic location: 1q31.3.
Variant type: Microsatellite.
Coding change: c.6337_6338del on transcript NM_018136.5 (MANE Select); coding-DNA positions 6337 to 6338, 2 bases deleted (AT; older notation c.6337_6338delAT).
Protein change: p.Ile2113fs; shifts the reading frame from isoleucine 2113.
Molecular consequence: frameshift variant. On other transcripts: intron variant (1).
Genome position (GRCh38, 1-based): chr1:197,102,913-197,102,914, AT deleted on the plus strand (AT on the coding strand, the reverse complement: ASPM is on the minus strand); deleting any 2 consecutive bases within chr1:197,102,913-197,102,916 gives the same sequence; the c. name uses the placement nearest the transcript's 3' end. VCF-style (leftmost placement, unchanged base first): chr1-197102912-AAT-A. GRCh37 (hg19) VCF-style: chr1-197072042-AAT-A.
Other names: c.4066-6750_4066-6749del (NM_001206846.2); c.6335_6336delAT (NM_018136.4); short protein forms I2113fs.
Identifiers: ClinVar variation 265381 (VCV000265381.49), dbSNP rs199422169, ClinGen allele CA342266.